The following is an entry in ClinVar:

ClinVar aggregate classification (germline): Conflicting classifications of pathogenicity. Review status: criteria provided, conflicting classifications (1 of 4 stars). 2 submissions from 2 submitters: Uncertain significance (1); Likely benign (1). Last evaluated 2024-10-29.

Conditions:
Inborn genetic diseases. Identifiers: MedGen C0950123, MeSH D030342.

Allele frequency attached by ClinVar (database versions not stated): gnomAD exomes 0.00004; ExAC 0.00006; ESP Exome Variant Server 0.00008; gnomAD 0.00013 and 0.00015; TOPMed 0.00018.
gnomAD v4.1: 35 of 1,595,218 alleles (0.0022%); highest among the groups gnomAD compares: African/African-American, 0.046%; no homozygotes.

Submissions (2):

Labcorp Genetics (formerly Invitae), Labcorp
Classification: Uncertain significance. Last evaluated: 2024-10-29. Review status: criteria provided, single submitter. Criteria: Invitae Variant Classification Sherloc (09022015). Collection method: clinical testing. Allele origin: germline.
Comment: This sequence change replaces methionine, which is neutral and non-polar, with valine, which is neutral and non-polar, at codon 9 of the IFT81 protein (p.Met9Val). This variant is present in population databases (rs375743897, gnomAD 0.05%). This variant has not been reported in the literature in individuals affected with IFT81-related conditions. ClinVar contains an entry for this variant (Variation ID: 1039058). Invitae Evidence Modeling of protein sequence and biophysical properties (such as structural, functional, and spatial information, amino acid conservation, physicochemical variation, residue mobility, and thermodynamic stability) indicates that this missense variant is not expected to disrupt IFT81 protein function with a negative predictive value of 80%. In summary, the available evidence is currently insufficient to determine the role of this variant in disease. Therefore, it has been classified as a Variant of Uncertain Significance.

Ambry Genetics
Classification: Likely benign for Inborn genetic diseases. Last evaluated: 2024-03-15. Review status: criteria provided, single submitter. Criteria: Ambry Variant Classification Scheme 2023. Collection method: clinical testing. Allele origin: germline.

NM_014055.4(IFT81):c.25A>G (p.Met9Val)

Gene: IFT81 (intraflagellar transport 81; plus strand). Cytogenetic location: 12q24.11.
Variant type: single nucleotide variant.
Coding change: c.25A>G on transcript NM_014055.4 (MANE Select); coding-DNA position 25, A replaced by G.
Protein change: p.Met9Val; replaces methionine 9 with valine.
Molecular consequence: missense variant. On other transcripts: 5 prime UTR variant (2), non-coding transcript variant (4).
Genome position (GRCh38, 1-based): chr12:110,127,405, A>G. VCF-style: chr12-110127405-A-G. GRCh37 (hg19) VCF-style: chr12-110565210-A-G.
Other names: c.25A>G, p.Met9Val (NM_001143779.2, NM_001347946.2, NM_031473.4); c.-742A>G (NM_001347947.2, NM_001347948.2); c.25A>G (NM_014055.3); short protein forms M9V.
Identifiers: ClinVar variation 1039058 (VCV001039058.6), dbSNP rs375743897, ClinGen allele CA6782976.